The following is an entry in ClinVar:

NM_001365276.2(TNXB):c.5883C>A (p.Val1961=)

Gene: TNXB (tenascin XB; minus strand). Cytogenetic location: 6p21.33.
Variant type: single nucleotide variant.
Coding change: c.5883C>A on transcript NM_001365276.2 (MANE Select); coding-DNA position 5883, C replaced by A.
Protein change: p.Val1961=; no amino-acid change (valine 1961 retained).
Molecular consequence: synonymous variant.
Genome position (GRCh38, 1-based): chr6:32,068,841, G>T on the plus strand (C>A on the coding strand, the complement: TNXB is on the minus strand). VCF-style: chr6-32068841-G-T. GRCh37 (hg19) VCF-style: chr6-32036618-G-T.
Other names: p.Val1961=; c.5883C>A, p.Val1961= (NM_019105.8).
Identifiers: ClinVar variation 3327926 (VCV003327926.2).
Genomic context (GRCh38, chr6:32,068,841, plus strand): 5'-CCCAGCCATCTGAAAGGAGGCATAGTGGGCAGAGTTCTCACCTGTCAGGGCCTCGACATG[G>T]ACAGGACCTACATGCTTCCCATCACTGAAACCATACAGGGTCACCAGGTATCTGTGGTCG-3'
Protein context (NP_001352205.1, residues 1951-1971): GFSDGKHVGP[Val1961=]HVEALTVPEE

ClinVar aggregate classification (germline): Likely benign. Review status: criteria provided, multiple submitters, no conflicts (2 of 4 stars). 2 submissions from 2 submitters: Likely benign (2). Last evaluated 2025-10-02.

Conditions:
Cardiovascular phenotype. Identifiers: MedGen CN230736.

gnomAD v4.1: 45 of 1,609,170 alleles (0.0028%); highest among the groups gnomAD compares: Non-Finnish European, 0.0036%; no homozygotes.

Submissions (2):

Mayo Clinic Laboratories, Mayo Clinic
Classification: Likely benign. Last evaluated: 2025-10-02. Review status: criteria provided, single submitter. Criteria: ACMG Guidelines, 2015. Collection method: clinical testing. Allele origin: germline. Observed: 1 variant allele.
Comment: BP4, BP7

Ambry Genetics
Classification: Likely benign for Cardiovascular phenotype. Last evaluated: 2024-06-09. Review status: criteria provided, single submitter. Criteria: Ambry Variant Classification Scheme 2023. Collection method: clinical testing. Allele origin: germline.